The following is an entry in ClinVar:

NM_001163435.3(TBCK):c.1338C>G (p.Asp446Glu)

Gene: TBCK (TBC1 domain containing kinase; minus strand). Cytogenetic location: 4q24.
Variant type: single nucleotide variant.
Coding change: c.1338C>G on transcript NM_001163435.3 (MANE Select); coding-DNA position 1338, C replaced by G.
Protein change: p.Asp446Glu; replaces aspartic acid 446 with glutamic acid.
Molecular consequence: missense variant.
Genome position (GRCh38, 1-based): chr4:106,236,402, G>C on the plus strand (C>G on the coding strand, the complement: TBCK is on the minus strand). VCF-style: chr4-106236402-G-C. GRCh37 (hg19) VCF-style: chr4-107157559-G-C.
Other names: c.1338C>G, p.Asp446Glu (NM_001163436.4); c.1221C>G, p.Asp407Glu (NM_001163437.3); c.822C>G, p.Asp274Glu (NM_001290768.2); c.1149C>G, p.Asp383Glu (NM_033115.5); short protein forms D274E, D407E, D383E, D446E.
Identifiers: ClinVar variation 1498131 (VCV001498131.5), dbSNP rs780853410, ClinGen allele CA3035112.
Genomic context (GRCh38, chr4:106,236,402, plus strand): 5'-AAATTCCATATGGGCTATTGTTAACACTTTATACTTTAGAATCCATACCTTTAGCAGCCT[G>C]TCGAAGAGAATAATTCTATTTAGTTGGTACTCTGTATCCTTCTCTCTGATGATTAAAGGG-3'
Protein context (NP_001156907.2, residues 436-456): EYQLNRIILF[Asp446Glu]RLLKAYPYKK

ClinVar aggregate classification (germline): Uncertain significance (1 of 4 stars; one submission).

Allele frequency attached by ClinVar (database versions not stated): ExAC 0.00001; TOPMed 0.00001; gnomAD 0.00002.
gnomAD v4.1: 19 of 1,517,244 alleles (0.0013%); highest among the groups gnomAD compares: Non-Finnish European, 0.0017%; no homozygotes.

Submission:

Labcorp Genetics (formerly Invitae), Labcorp
Classification: Uncertain significance. Last evaluated: 2022-06-02. Review status: criteria provided, single submitter. Criteria: Invitae Variant Classification Sherloc (09022015). Collection method: clinical testing. Allele origin: germline.
Comment: This sequence change replaces aspartic acid, which is acidic and polar, with glutamic acid, which is acidic and polar, at codon 446 of the TBCK protein (p.Asp446Glu). The frequency data for this variant in the population databases is considered unreliable, as metrics indicate poor data quality at this position in the gnomAD database. This variant has not been reported in the literature in individuals affected with TBCK-related conditions. ClinVar contains an entry for this variant (Variation ID: 1498131). Algorithms developed to predict the effect of missense changes on protein structure and function (SIFT, PolyPhen-2, Align-GVGD) all suggest that this variant is likely to be tolerated. In summary, the available evidence is currently insufficient to determine the role of this variant in disease. Therefore, it has been classified as a Variant of Uncertain Significance.